The following is an entry in ClinVar:

NM_053025.4(MYLK):c.4184T>C (p.Leu1395Pro)

Gene: MYLK (myosin light chain kinase; minus strand). Cytogenetic location: 3q21.1.
Variant type: single nucleotide variant.
Coding change: c.4184T>C on transcript NM_053025.4 (MANE Select); coding-DNA position 4184, T replaced by C.
Protein change: p.Leu1395Pro; replaces leucine 1395 with proline.
Molecular consequence: missense variant.
Genome position (GRCh38, 1-based): chr3:123,657,230, A>G on the plus strand (T>C on the coding strand, the complement: MYLK is on the minus strand). VCF-style: chr3-123657230-A-G. GRCh37 (hg19) VCF-style: chr3-123376077-A-G.
Other names: c.3656T>C, p.Leu1219Pro (NM_001321309.2); c.3977T>C, p.Leu1326Pro (NM_053026.4, NM_053028.4); c.4184T>C, p.Leu1395Pro (NM_053027.4); short protein forms L1395P, L1326P, L1219P.
Identifiers: ClinVar variation 626866 (VCV000626866.16), dbSNP rs146576868, ClinGen allele CA071037.

ClinVar aggregate classification (germline): Conflicting classifications of pathogenicity. Review status: criteria provided, conflicting classifications (1 of 4 stars). 5 submissions from 5 submitters: Uncertain significance (4); Likely benign (1). Last evaluated 2025-09-04.

Conditions:
Familial thoracic aortic aneurysm and aortic dissection (TAAD). Also called: Thoracic aortic aneurysms and dissections. Identifiers: Orphanet 91387, MedGen C4707243, MONDO:0019625.
Aortic aneurysm, familial thoracic 7 (AAT7). Also called: AORTIC DISSECTION, FAMILIAL, WITH OR WITHOUT AORTIC ANEURYSM. Identifiers: MedGen C3151077, MONDO:0013418, OMIM 613780.

Allele frequency attached by ClinVar (database versions not stated): gnomAD exomes 0.00001 and 0.00007; ExAC 0.00007; TOPMed 0.00019; gnomAD 0.00022 and 0.00023; ESP Exome Variant Server 0.00031.
gnomAD v4.1: 53 of 1,614,208 alleles (0.0033%); highest among the groups gnomAD compares: African/African-American, 0.051%; no homozygotes.

Submissions (5):

Labcorp Genetics (formerly Invitae), Labcorp
Classification: Uncertain significance for Aortic aneurysm, familial thoracic 7. Last evaluated: 2025-09-04. Review status: criteria provided, single submitter. Criteria: Invitae Variant Classification Sherloc (09022015). Collection method: clinical testing. Allele origin: germline.
Comment: This sequence change replaces leucine, which is neutral and non-polar, with proline, which is neutral and non-polar, at codon 1395 of the MYLK protein (p.Leu1395Pro). This variant is present in population databases (rs146576868, gnomAD 0.06%). This variant has not been reported in the literature in individuals affected with MYLK-related conditions. ClinVar contains an entry for this variant (Variation ID: 626866). Invitae Evidence Modeling of protein sequence and biophysical properties (such as structural, functional, and spatial information, amino acid conservation, physicochemical variation, residue mobility, and thermodynamic stability) indicates that this missense variant is not expected to disrupt MYLK protein function with a negative predictive value of 80%. In summary, the available evidence is currently insufficient to determine the role of this variant in disease. Therefore, it has been classified as a Variant of Uncertain Significance.

Ambry Genetics
Classification: Uncertain significance for Familial thoracic aortic aneurysm and aortic dissection. Last evaluated: 2025-03-05. Review status: criteria provided, single submitter. Criteria: Ambry Variant Classification Scheme 2023. Collection method: clinical testing. Allele origin: germline.

Women's Health and Genetics/Laboratory Corporation of America, LabCorp
Classification: Likely benign. Last evaluated: 2023-07-21. Review status: criteria provided, single submitter. Criteria: LabCorp Variant Classification Summary - May 2015. Collection method: clinical testing. Allele origin: germline.

ARUP Laboratories, Molecular Genetics and Genomics, ARUP Laboratories
Classification: Uncertain significance. Last evaluated: 2022-08-16. Review status: criteria provided, single submitter. Criteria: ARUP Molecular Germline Variant Investigation Process 2021. Collection method: clinical testing. Allele origin: germline.
Comment: The MYLK c.4184T>C; p.Leu1395Pro variant (rs146576868), to our knowledge, is not reported in the medical literature but is reported in ClinVar (Variation ID: 626866). This variant is found in the general population with an allele frequency of 0.0081% (23/282,876 alleles) in the Genome Aggregation Database. The leucine at codon 1395 is moderately conserved, and computational analyses are uncertain whether this variant is neutral or deleterious (REVEL: 0.34). Due to limited information, the clinical significance of the p.Leu1395Pro variant is uncertain at this time.

CHEO Genetics Diagnostic Laboratory, Children's Hospital of Eastern Ontario
Classification: Uncertain significance for Familial thoracic aortic aneurysm and aortic dissection. Last evaluated: 2016-12-05. Review status: criteria provided, single submitter. Criteria: ACMG Guidelines, 2015. Collection method: clinical testing. Allele origin: germline. Study: Canadian Open Genetics Repository.